The following is an entry in ClinVar:

NM_001164508.2(NEB):c.18124C>T (p.Gln6042Ter)

Gene: NEB (nebulin; minus strand). Cytogenetic location: 2q23.3.
Variant type: single nucleotide variant.
Coding change: c.18124C>T on transcript NM_001164508.2 (MANE Select); coding-DNA position 18124, C replaced by T.
Protein change: p.Gln6042Ter; replaces glutamine 6042 with a stop codon.
Molecular consequence: nonsense.
Genome position (GRCh38, 1-based): chr2:151,567,200, G>A on the plus strand (C>T on the coding strand, the complement: NEB is on the minus strand). VCF-style: chr2-151567200-G-A. GRCh37 (hg19) VCF-style: chr2-152423714-G-A.
Other names: c.18124C>T, p.Gln6042Ter (NM_001164507.2, NM_001271208.2); c.13021C>T, p.Gln4341Ter (NM_004543.5); short protein forms Q6042*, Q4341*.
Identifiers: ClinVar variation 652416 (VCV000652416.8), dbSNP rs1577886635, ClinGen allele CA348802882.
Genomic context (GRCh38, chr2:151,567,200, plus strand): 5'-AGATAATGAAGAAACAAAAATCACTTACATCACTCTGTAGGTCATAGGCCTTTCTTGCCT[G>A]AATAACATCGTTCTGGTCAGGATGACACATCCATTGGTGCAAGTAATTACGATAATCAAT-3'

ClinVar aggregate classification (germline): Pathogenic (1 of 4 stars; one submission).

Conditions:
Nemaline myopathy 2 (NEM2). Also called: Nemaline myopathy 2, autosomal recessive. Identifiers: MedGen C1850569, MONDO:0009725, OMIM 256030.

Submission:

Labcorp Genetics (formerly Invitae), Labcorp
Classification: Pathogenic for Nemaline myopathy 2. Last evaluated: 2025-12-31. Review status: criteria provided, single submitter. Criteria: Invitae Variant Classification Sherloc (09022015). Collection method: clinical testing. Allele origin: germline.
Comment: This sequence change creates a premature translational stop signal (p.Gln6042*) in the NEB gene. It is expected to result in an absent or disrupted protein product. Loss-of-function variants in NEB are known to be pathogenic (PMID: 25205138). This variant is not present in population databases (gnomAD no frequency). This premature translational stop signal has been observed in individual(s) with NEB-related conditions (PMID: 23572184). ClinVar contains an entry for this variant (Variation ID: 652416). For these reasons, this variant has been classified as Pathogenic.

Literature cited by the submitters: PubMed 25205138; PubMed 23572184.